The following is an entry in ClinVar:

ClinVar aggregate classification (germline): Uncertain significance. Review status: criteria provided, multiple submitters, no conflicts (2 of 4 stars). 2 submissions from 2 submitters: Uncertain significance (2). Last evaluated 2025-04-21.

Conditions:
Hereditary cancer-predisposing syndrome. Also called: Neoplastic Syndromes, Hereditary; Hereditary Cancer Syndrome; Tumor predisposition; Hereditary neoplastic syndrome. Identifiers: Orphanet 140162, MedGen C0027672, MeSH D009386, MONDO:0015356.
Rhabdoid tumor predisposition syndrome 2 (RTPS2). Identifiers: Orphanet 231108, Orphanet 69077, MedGen C2750074, MONDO:0013224, OMIM 613325.

Allele frequency attached by ClinVar (database versions not stated): gnomAD exomes below 0.00001 and 0.00001.
gnomAD v4.1: 1 of 1,550,906 alleles (0.000064%); highest among the groups gnomAD compares: East Asian, 0.0024%; no homozygotes.

Submissions (2):

Labcorp Genetics (formerly Invitae), Labcorp
Classification: Uncertain significance for Rhabdoid tumor predisposition syndrome 2. Last evaluated: 2025-04-21. Review status: criteria provided, single submitter. Criteria: Invitae Variant Classification Sherloc (09022015). Collection method: clinical testing. Allele origin: germline.
Comment: This sequence change replaces glutamic acid, which is acidic and polar, with glycine, which is neutral and non-polar, at codon 1668 of the SMARCA4 protein (p.Glu1668Gly). This variant is present in population databases (no rsID available, gnomAD 0.01%). This variant has not been reported in the literature in individuals affected with SMARCA4-related conditions. ClinVar contains an entry for this variant (Variation ID: 1039746). Experimental studies and prediction algorithms are not available or were not evaluated, and the functional significance of this variant is currently unknown. In summary, the available evidence is currently insufficient to determine the role of this variant in disease. Therefore, it has been classified as a Variant of Uncertain Significance.

Ambry Genetics
Classification: Uncertain significance for Hereditary cancer-predisposing syndrome. Last evaluated: 2024-03-05. Review status: criteria provided, single submitter. Criteria: Ambry Variant Classification Scheme 2023. Collection method: clinical testing. Allele origin: germline.
Comment: The p.E1668G variant (also known as c.5003A>G), located in coding exon 34 of the SMARCA4 gene, results from an A to G substitution at nucleotide position 5003. The glutamic acid at codon 1668 is replaced by glycine, an amino acid with similar properties. This amino acid position is well conserved in available vertebrate species. In addition, the in silico prediction for this alteration is inconclusive. Based on the available evidence, the clinical significance of this alteration remains unclear.

NM_003072.5(SMARCA4):c.4907A>G (p.Glu1636Gly)

Gene: SMARCA4 (SWI/SNF related BAF chromatin remodeling complex subunit ATPase 4; plus strand). Cytogenetic location: 19p13.2.
Variant type: single nucleotide variant.
Coding change: c.4907A>G on transcript NM_003072.5 (MANE Select); coding-DNA position 4907, A replaced by G.
Protein change: p.Glu1636Gly; replaces glutamic acid 1636 with glycine.
Molecular consequence: missense variant. On other transcripts: non-coding transcript variant (1).
Genome position (GRCh38, 1-based): chr19:11,060,183, A>G. VCF-style: chr19-11060183-A-G. GRCh37 (hg19) VCF-style: chr19-11170859-A-G.
Other names: c.5003A>G (NM_001128849.1); c.4907A>G, p.Glu1636Gly (NM_001128844.3); c.4817A>G, p.Glu1606Gly (NM_001128845.2); c.4814A>G, p.Glu1605Gly (NM_001128846.2); c.4808A>G, p.Glu1603Gly (NM_001128847.4, NM_001374457.1); c.4805A>G, p.Glu1602Gly (NM_001128848.2); c.5003A>G, p.Glu1668Gly (NM_001128849.3, NM_001387283.1); short protein forms E1606G, E1602G, E1636G, E1668G, E1603G, E1605G.
Identifiers: ClinVar variation 1039746 (VCV001039746.7), dbSNP rs1233964657, ClinGen allele CA404081009.